The following is an entry in ClinVar:

NM_032656.4(DHX37):c.729G>A (p.Pro243=)

Gene: DHX37 (DEAH-box helicase 37; minus strand). Cytogenetic location: 12q24.31.
Variant type: single nucleotide variant.
Coding change: c.729G>A on transcript NM_032656.4 (MANE Select); coding-DNA position 729, G replaced by A.
Protein change: p.Pro243=; no amino-acid change (proline 243 retained).
Molecular consequence: synonymous variant.
Genome position (GRCh38, 1-based): chr12:124,980,499, C>T on the plus strand (G>A on the coding strand, the complement: DHX37 is on the minus strand). VCF-style: chr12-124980499-C-T. GRCh37 (hg19) VCF-style: chr12-125465045-C-T.
Identifiers: ClinVar variation 2643582 (VCV002643582.24), dbSNP rs377378745, ClinGen allele CA6872367.
Genomic context (GRCh38, chr12:124,980,499, plus strand): 5'-GCCCCTTGCCCGCTAACCTAGATTCTTAATCACAAACACGGGGTGGCGAACCTGCATTTC[C>T]GGGGAGCGGTTCACGGGGATGAAGACGGCGGGCTTAGCCAGGGCCCTGGGCAGTGGTGGG-3'
Protein context (NP_116045.2, residues 233-253): PAVFIPVNRS[Pro243=]EMQEERLKLP

ClinVar aggregate classification (germline): Likely benign (1 of 4 stars; one submission).

Allele frequency attached by ClinVar (database versions not stated): TOPMed 0.00008; gnomAD 0.00009; gnomAD exomes 0.00012; ExAC 0.00013; ESP Exome Variant Server 0.00015.
gnomAD v4.1: 184 of 1,607,764 alleles (0.011%); highest among the groups gnomAD compares: Middle Eastern, 0.018%; no homozygotes.

Submission:

CeGaT Center for Human Genetics Tuebingen
Classification: Likely benign. Last evaluated: 2023-03-01. Review status: criteria provided, single submitter. Criteria: CeGaT Center For Human Genetics Tuebingen Variant Classification Criteria Version 2. Collection method: clinical testing. Allele origin: germline. Affected: yes. Observed: 1 variant allele.
Comment: DHX37: BP4, BP7